The following is an entry in ClinVar:

NM_000381.4(MID1):c.807C>T (p.Leu269=)

Gene: MID1 (midline 1; minus strand). Cytogenetic location: Xp22.2.
Variant type: single nucleotide variant.
Coding change: c.807C>T on transcript NM_000381.4 (MANE Select); coding-DNA position 807, C replaced by T.
Protein change: p.Leu269=; no amino-acid change (leucine 269 retained).
Molecular consequence: synonymous variant.
Genome position (GRCh38, 1-based): chrX:10,495,641, G>A on the plus strand (C>T on the coding strand, the complement: MID1 is on the minus strand). VCF-style: chrX-10495641-G-A. GRCh37 (hg19) VCF-style: chrX-10463681-G-A.
Other names: c.807C>T, p.Leu269= (NM_001098624.2, NM_001193277.1, NM_001193279.1 and 2 more transcripts); c.960C>T, p.Leu320= (NM_001193278.1); c.693C>T, p.Leu231= (NM_001193280.1, NM_033289.2).
Identifiers: ClinVar variation 810500 (VCV000810500.45), dbSNP rs1602304051, ClinGen allele CA515488666.

ClinVar aggregate classification (germline): Likely benign. Review status: criteria provided, multiple submitters, no conflicts (2 of 4 stars). 2 submissions from 2 submitters: Likely benign (2). Last evaluated 2024-07-01.

Allele frequency attached by ClinVar (database versions not stated): gnomAD exomes below 0.00001.
gnomAD v4.1: 2 of 1,210,121 alleles (0.00017%); highest among the groups gnomAD compares: South Asian, 0.0018%; no homozygotes.

Submissions (2):

CeGaT Center for Human Genetics Tuebingen
Classification: Likely benign. Last evaluated: 2024-07-01. Review status: criteria provided, single submitter. Criteria: CeGaT Center For Human Genetics Tuebingen Variant Classification Criteria Version 2. Collection method: clinical testing. Allele origin: germline. Affected: yes. Observed: 2 variant alleles.
Comment: MID1: PM2:Supporting, BP4, BP7

Labcorp Genetics (formerly Invitae), Labcorp
Classification: Likely benign. Last evaluated: 2023-07-06. Review status: criteria provided, single submitter. Criteria: Invitae Variant Classification Sherloc (09022015). Collection method: clinical testing. Allele origin: germline.